The following is an entry in ClinVar:

ClinVar aggregate classification (germline): Likely benign (1 of 4 stars; one submission).

Allele frequency attached by ClinVar (database versions not stated): 1000 Genomes Project 30x 0.00141; 1000 Genomes Project 0.00180; ExAC 0.00366; gnomAD 0.00430; TOPMed 0.00446; ESP Exome Variant Server 0.00461.
gnomAD v4.1: 10,596 of 1,574,102 alleles (0.67%); highest among the groups gnomAD compares: Non-Finnish European, 0.82%; 51 homozygotes.

Submission:

CeGaT Center for Human Genetics Tuebingen
Classification: Likely benign. Last evaluated: 2023-07-01. Review status: criteria provided, single submitter. Criteria: CeGaT Center For Human Genetics Tuebingen Variant Classification Criteria Version 2. Collection method: clinical testing. Allele origin: germline. Affected: yes. Observed: 1 variant allele.
Comment: MUC17: BP4, BS2

NM_001040105.2(MUC17):c.1243A>G (p.Thr415Ala)

Gene: MUC17 (mucin 17, cell surface associated; plus strand). Cytogenetic location: 7q22.1.
Variant type: single nucleotide variant.
Coding change: c.1243A>G on transcript NM_001040105.2 (MANE Select); coding-DNA position 1243, A replaced by G.
Protein change: p.Thr415Ala; replaces threonine 415 with alanine.
Molecular consequence: missense variant. On other transcripts: non-coding transcript variant (1).
Genome position (GRCh38, 1-based): chr7:101,032,659, A>G. VCF-style: chr7-101032659-A-G. GRCh37 (hg19) VCF-style: chr7-100675940-A-G.
Other names: short protein forms T415A.
Identifiers: ClinVar variation 2657836 (VCV002657836.24), dbSNP rs145279256, ClinGen allele CA4401002.
Genomic context (GRCh38, chr7:101,032,659, plus strand): 5'-TTAACAAATATGCCTGTCAGCACCATATTGGTGGCCAGTTCTGAGGCTAGCACCACTTCA[A>G]CAATTCCTGTTGACTCCAAAACTTTTGTGACCACTGCTAGTGAAGCCAGCTCATCTCCCA-3'
Protein context (NP_001035194.1, residues 405-425): VASSEASTTS[Thr415Ala]IPVDSKTFVT